The following is an entry in ClinVar:

NM_018474.6(KIZ):c.892G>A (p.Gly298Arg)

Gene: KIZ (kizuna centrosomal protein; plus strand). Cytogenetic location: 20p11.23.
Variant type: single nucleotide variant.
Coding change: c.892G>A on transcript NM_018474.6 (MANE Select); coding-DNA position 892, G replaced by A.
Protein change: p.Gly298Arg; replaces glycine 298 with arginine.
Molecular consequence: missense variant.
Genome position (GRCh38, 1-based): chr20:21,162,357, G>A. VCF-style: chr20-21162357-G-A. GRCh37 (hg19) VCF-style: chr20-21142998-G-A.
Other names: c.583G>A, p.Gly195Arg (NM_001163022.3, NM_001352435.2); c.493G>A, p.Gly165Arg (NM_001163023.3); c.745G>A, p.Gly249Arg (NM_001276389.2); c.892G>A, p.Gly298Arg (NM_001352434.2); c.550G>A, p.Gly184Arg (NM_001352436.2); c.892G>A (NM_018474.5); short protein forms G165R, G184R, G195R, G249R, G298R.
Identifiers: ClinVar variation 1164310 (VCV001164310.13), dbSNP rs191064527, ClinGen allele CA9784725.

ClinVar aggregate classification (germline): Benign/Likely benign. Review status: criteria provided, multiple submitters, no conflicts (2 of 4 stars). 4 submissions from 4 submitters: Benign (2); Likely benign (1). 1 of the submissions does not count toward it. Last evaluated 2025-12-29.

Conditions:
KIZ-related disorder. Also called: KIZ-related condition.
Retinal dystrophy. Also called: Inherited retinal dystrophy. Identifiers: Orphanet 71862, MedGen C0854723, MeSH D058499, MONDO:0019118, HP:0000556.

Allele frequency attached by ClinVar (database versions not stated): 1000 Genomes Project 0.00080; gnomAD exomes 0.00080 and 0.00113; ESP Exome Variant Server 0.00084; 1000 Genomes Project 30x 0.00094; ExAC 0.00118.
gnomAD v4.1: 1,253 of 1,613,884 alleles (0.078%); highest among the groups gnomAD compares: East Asian, 0.73%; 1 homozygote.

Submissions (4):

Labcorp Genetics (formerly Invitae), Labcorp
Classification: Benign. Last evaluated: 2025-12-29. Review status: criteria provided, single submitter. Criteria: Invitae Variant Classification Sherloc (09022015). Collection method: clinical testing. Allele origin: germline.

Blueprint Genetics
Classification: Likely benign. Last evaluated: 2024-11-22. Review status: criteria provided, single submitter. Criteria: ACMG Guidelines, 2015. Collection method: clinical testing. Allele origin: germline.

Dept Of Ophthalmology, Nagoya University
Classification: Benign for Retinal dystrophy. Last evaluated: 2023-10-01. Review status: criteria provided, single submitter. Criteria: Submitter's publication. Collection method: research. Allele origin: germline. Affected: yes.

PreventionGenetics, part of Exact Sciences
Classification: Likely benign for KIZ-related condition. Last evaluated: 2019-07-02. Review status: no assertion criteria provided. Collection method: clinical testing. Allele origin: germline. Not counted in ClinVar's aggregate classification.
Comment: This variant is classified as likely benign based on ACMG/AMP sequence variant interpretation guidelines (Richards et al. 2015 PMID: 25741868, with internal and published modifications).